The following is an entry in ClinVar:

NM_015338.6(ASXL1):c.4462C>A (p.Leu1488Ile)

Gene: ASXL1 (ASXL transcriptional regulator 1; plus strand). Cytogenetic location: 20q11.21.
Variant type: single nucleotide variant.
Coding change: c.4462C>A on transcript NM_015338.6 (MANE Select); coding-DNA position 4462, C replaced by A.
Protein change: p.Leu1488Ile; replaces leucine 1488 with isoleucine.
Molecular consequence: missense variant.
Genome position (GRCh38, 1-based): chr20:32,437,174, C>A. VCF-style: chr20-32437174-C-A. GRCh37 (hg19) VCF-style: chr20-31024977-C-A.
Other names: c.4279C>A, p.Leu1427Ile (NM_001363734.1); short protein forms L1427I, L1488I.
Identifiers: ClinVar variation 3956221 (VCV003956221.1).

ClinVar aggregate classification (germline): Uncertain significance (1 of 4 stars; one submission).

Conditions:
Inborn genetic diseases. Identifiers: MedGen C0950123, MeSH D030342.

gnomAD v4.1: 1 of 1,613,878 alleles (0.000062%); highest among the groups gnomAD compares: Admixed American, 0.0017%; no homozygotes.

Submission:

Ambry Genetics
Classification: Uncertain significance for Inborn genetic diseases. Last evaluated: 2025-04-18. Review status: criteria provided, single submitter. Criteria: Ambry Variant Classification Scheme 2023. Collection method: clinical testing. Allele origin: germline.
Comment: The p.L1488I variant (also known as c.4462C>A), located in coding exon 13 of the ASXL1 gene, results from a C to A substitution at nucleotide position 4462. The leucine at codon 1488 is replaced by isoleucine, an amino acid with highly similar properties. This amino acid position is conserved. In addition, this alteration is predicted to be tolerated by in silico analysis. Based on the available evidence, the clinical significance of this variant remains unclear.